The following is an entry in ClinVar:

ClinVar aggregate classification (germline): Uncertain significance (1 of 4 stars; one submission).

gnomAD v4.1: 3 of 1,612,362 alleles (0.00019%); highest among the groups gnomAD compares: Admixed American, 0.0034%; no homozygotes.

Submission:

Labcorp Genetics (formerly Invitae), Labcorp
Classification: Uncertain significance. Last evaluated: 2024-12-03. Review status: criteria provided, single submitter. Criteria: Invitae Variant Classification Sherloc (09022015). Collection method: clinical testing. Allele origin: germline.
Comment: This sequence change replaces histidine, which is basic and polar, with aspartic acid, which is acidic and polar, at codon 850 of the PROM1 protein (p.His850Asp). This variant is present in population databases (no rsID available, gnomAD 0.003%). This variant has not been reported in the literature in individuals affected with PROM1-related conditions. An algorithm developed to predict the effect of missense changes on protein structure and function (PolyPhen-2) suggests that this variant is likely to be tolerated. In summary, the available evidence is currently insufficient to determine the role of this variant in disease. Therefore, it has been classified as a Variant of Uncertain Significance.

NM_006017.3(PROM1):c.2548C>G (p.His850Asp)

Gene: PROM1 (prominin 1; minus strand). Cytogenetic location: 4p15.32.
Variant type: single nucleotide variant.
Coding change: c.2548C>G on transcript NM_006017.3 (MANE Select); coding-DNA position 2548, C replaced by G.
Protein change: p.His850Asp; replaces histidine 850 with aspartic acid.
Molecular consequence: missense variant. On other transcripts: intron variant (6).
Genome position (GRCh38, 1-based): chr4:15,979,429, G>C on the plus strand (C>G on the coding strand, the complement: PROM1 is on the minus strand). VCF-style: chr4-15979429-G-C. GRCh37 (hg19) VCF-style: chr4-15981052-G-C.
Other names: c.2521C>G, p.His841Asp (NM_001145847.2, NM_001145848.2, NM_001371406.1); c.2462+993C>G (NM_001145852.2, NM_001371408.1, NM_001371407.1); c.2489+993C>G (NM_001145850.2); c.2486+452C>G (NM_001145851.2); c.2513+452C>G (NM_001145849.2); short protein forms H841D, H850D.
Identifiers: ClinVar variation 3612344 (VCV003612344.2).